The following is an entry in ClinVar:

NM_017635.5(KMT5B):c.1330C>A (p.Pro444Thr)

Gene: KMT5B (lysine methyltransferase 5B; minus strand). Cytogenetic location: 11q13.2.
Variant type: single nucleotide variant.
Coding change: c.1330C>A on transcript NM_017635.5 (MANE Select); coding-DNA position 1330, C replaced by A.
Protein change: p.Pro444Thr; replaces proline 444 with threonine.
Molecular consequence: missense variant.
Genome position (GRCh38, 1-based): chr11:68,159,016, G>T on the plus strand (C>A on the coding strand, the complement: KMT5B is on the minus strand). VCF-style: chr11-68159016-G-T. GRCh37 (hg19) VCF-style: chr11-67926483-G-T.
Other names: c.814C>A, p.Pro272Thr (NM_001300907.1, NM_001369428.1, NM_001369429.1 and 4 more transcripts); c.1330C>A (NM_017635.4); c.610C>A, p.Pro204Thr (NM_001300908.2); c.1330C>A, p.Pro444Thr (NM_001369426.1); short protein forms P204T, P272T, P444T.
Identifiers: ClinVar variation 3371151 (VCV003371151.3).

ClinVar aggregate classification (germline): Uncertain significance. Review status: criteria provided, multiple submitters, no conflicts (2 of 4 stars). 2 submissions from 2 submitters: Uncertain significance (2). Last evaluated 2026-08-21.

Conditions:
KMT5B-related disorder. Also called: KMT5B-related condition.

gnomAD v4.1: 1 of 1,612,726 alleles (0.000062%); highest among the groups gnomAD compares: Non-Finnish European, 0.000085%; no homozygotes.

Submissions (2):

PreventionGenetics, part of Exact Sciences
Classification: Uncertain significance for KMT5B-related condition. Last evaluated: 2026-08-21. Review status: criteria provided, single submitter. Criteria: ACMG Guidelines, 2015. Collection method: clinical testing. Allele origin: germline.
Comment: The KMT5B c.1330C>A variant is predicted to result in the amino acid substitution p.Pro444Thr. To our knowledge, this variant has not been reported in the literature or in a large population database (gnomAD), indicating this variant is rare. A different missense variant affecting the same amino acid position, c.1331C>G, p.(Pro444Arg), has been reported in an individual with developmental delay/intellectual disability, macrocephaly, autism, craniofacial features, and abnormal MRI and affected parent (Supplementary Table 1, Sheppard et al. 2023. PubMed ID: 36897941). At this time, the clinical significance of this p.Pro444Thr variant is uncertain due to the absence of conclusive functional and genetic evidence.

GeneDx
Classification: Uncertain significance. Last evaluated: 2025-04-23. Review status: criteria provided, single submitter. Criteria: GeneDx Variant Classification Process June 2021. Collection method: clinical testing. Allele origin: germline. Affected: yes.
Comment: Not observed at significant frequency in large population cohorts (gnomAD); In silico analysis indicates that this missense variant does not alter protein structure/function; Has not been previously published as pathogenic or benign to our knowledge